The following is an entry in ClinVar:

ClinVar aggregate classification (germline): Conflicting classifications of pathogenicity. Review status: criteria provided, conflicting classifications (1 of 4 stars). 3 submissions from 3 submitters: Uncertain significance (1); Benign (1); Likely benign (1). Last evaluated 2024-09-20.

Conditions:
Inborn genetic diseases. Identifiers: MedGen C0950123, MeSH D030342.

Allele frequency attached by ClinVar (database versions not stated): gnomAD 0.00014; TOPMed 0.00019; ESP Exome Variant Server 0.00046; gnomAD exomes 0.00001; ExAC 0.00006.
gnomAD v4.1: 39 of 1,614,186 alleles (0.0024%); highest among the groups gnomAD compares: African/African-American, 0.051%; no homozygotes.

Submissions (3):

Ambry Genetics
Classification: Likely benign for Inborn genetic diseases. Last evaluated: 2024-09-20. Review status: criteria provided, single submitter. Criteria: Ambry Variant Classification Scheme 2023. Collection method: clinical testing. Allele origin: germline.

Labcorp Genetics (formerly Invitae), Labcorp
Classification: Benign. Last evaluated: 2023-12-06. Review status: criteria provided, single submitter. Criteria: Invitae Variant Classification Sherloc (09022015). Collection method: clinical testing. Allele origin: germline.

GeneDx
Classification: Uncertain significance. Last evaluated: 2023-03-05. Review status: criteria provided, single submitter. Criteria: GeneDx Variant Classification Process June 2021. Collection method: clinical testing. Allele origin: germline. Affected: yes.
Comment: In silico analysis supports that this missense variant has a deleterious effect on protein structure/function; Has not been previously published as pathogenic or benign to our knowledge

NM_182641.4(BPTF):c.5884A>G (p.Thr1962Ala)

Gene: BPTF (bromodomain PHD finger transcription factor; plus strand). Cytogenetic location: 17q24.2.
Variant type: single nucleotide variant.
Coding change: c.5884A>G on transcript NM_182641.4 (MANE Select); coding-DNA position 5884, A replaced by G.
Protein change: p.Thr1962Ala; replaces threonine 1962 with alanine.
Molecular consequence: missense variant.
Genome position (GRCh38, 1-based): chr17:67,928,487, A>G. VCF-style: chr17-67928487-A-G. GRCh37 (hg19) VCF-style: chr17-65924603-A-G.
Other names: c.6262A>G, p.Thr2088Ala (NM_004459.7); c.5884A>G (NM_182641.3); c.6262A>G (NM_004459.6); short protein forms T1962A, T2088A.
Identifiers: ClinVar variation 1972637 (VCV001972637.7), dbSNP rs145870742, ClinGen allele CA8726056.
Genomic context (GRCh38, chr17:67,928,487, plus strand): 5'-ACCATCTCTCCAGCACAGAAGGTTATGGTGGCCCCCATAAGTGGCTCAGTTACAACTGGA[A>G]CCAAAATGGTACTAACTACTAAAGTTGGATCTCCAGCTACAGTAACATTCCAACAAAACA-3'
Protein context (NP_872579.2, residues 1952-1972): APISGSVTTG[Thr1962Ala]KMVLTTKVGS